The following is an entry in ClinVar:

ClinVar aggregate classification (germline): Uncertain significance. Review status: criteria provided, multiple submitters, no conflicts (2 of 4 stars). 3 submissions from 3 submitters: Uncertain significance (3). Last evaluated 2026-01-08.

Conditions:
Arthrogryposis, renal dysfunction, and cholestasis 1 (ARCS1). Identifiers: Orphanet 2697, MedGen C1859722, MONDO:0008822, OMIM 208085.
Keratoderma-ichthyosis-deafness syndrome, autosomal recessive (KDIDAR). Identifiers: MedGen C5774200, MONDO:0859278, OMIM 620009.
Cholestasis, progressive familial intrahepatic, 12 (PFIC12). Also called: CHOLESTASIS, ISOLATED LOW-GGT. Identifiers: MedGen C5774311, MONDO:0031040, OMIM 620010.

Allele frequency attached by ClinVar (database versions not stated): gnomAD exomes 0.00004 and 0.00012; 1000 Genomes Project 30x 0.00016; ExAC 0.00018; 1000 Genomes Project 0.00020; gnomAD 0.00045 and 0.00052; TOPMed 0.00053; ESP Exome Variant Server 0.00054.
gnomAD v4.1: 125 of 1,614,146 alleles (0.0077%); highest among the groups gnomAD compares: African/African-American, 0.14%; no homozygotes.

Submissions (3):

Labcorp Genetics (formerly Invitae), Labcorp
Classification: Uncertain significance. Last evaluated: 2026-01-08. Review status: criteria provided, single submitter. Criteria: Invitae Variant Classification Sherloc (09022015). Collection method: clinical testing. Allele origin: germline.
Comment: This sequence change falls in intron 15 of the VPS33B gene. It does not directly change the encoded amino acid sequence of the VPS33B protein. It affects a nucleotide within the consensus splice site. This variant is present in population databases (rs201991604, gnomAD 0.1%). This variant has not been reported in the literature in individuals affected with VPS33B-related conditions. ClinVar contains an entry for this variant (Variation ID: 502364). Variants that disrupt the consensus splice site are a relatively common cause of aberrant splicing (PMID: 17576681, 9536098). Algorithms developed to predict the effect of sequence changes on RNA splicing suggest that this variant is not likely to affect RNA splicing. In summary, the available evidence is currently insufficient to determine the role of this variant in disease. Therefore, it has been classified as a Variant of Uncertain Significance.

Fulgent Genetics
Classification: Uncertain significance for Arthrogryposis, renal dysfunction, and cholestasis 1; Keratoderma-ichthyosis-deafness syndrome, autosomal recessive; Cholestasis, progressive familial intrahepatic, 12. Last evaluated: 2024-01-04. Review status: criteria provided, single submitter. Criteria: ACMG Guidelines, 2015. Collection method: clinical testing. Allele origin: germline.

Eurofins Ntd Llc (ga)
Classification: Uncertain significance. Last evaluated: 2018-02-22. Review status: criteria provided, single submitter. Criteria: EGL ClinVar v180209 classification definitions. Collection method: clinical testing. Allele origin: germline. Observed: 3 variant alleles, 3 heterozygotes.

Literature cited by the submitters: PubMed 17576681 (cited by Labcorp Genetics (formerly Invitae), Labcorp); PubMed 9536098 (cited by Labcorp Genetics (formerly Invitae), Labcorp).

NM_018668.5(VPS33B):c.1170+4C>T

Gene: VPS33B (VPS33B late endosome and lysosome associated; minus strand). Cytogenetic location: 15q26.1.
Variant type: single nucleotide variant.
Coding change: c.1170+4C>T on transcript NM_018668.5 (MANE Select); 4 bases into the intron after coding-DNA position 1170, C replaced by T.
Molecular consequence: intron variant.
Genome position (GRCh38, 1-based): chr15:91,005,051, G>A on the plus strand (C>T on the coding strand, the complement: VPS33B is on the minus strand). VCF-style: chr15-91005051-G-A. GRCh37 (hg19) VCF-style: chr15-91548281-G-A.
Other names: c.1089+4C>T (NM_001289148.1); c.897+4C>T (NM_001289149.1).
Identifiers: ClinVar variation 502364 (VCV000502364.7), dbSNP rs201991604, ClinGen allele CA7744768.
Genomic context (GRCh38, chr15:91,005,051, plus strand): 5'-CTGCTTAAGGCCGACCCCACCTCTAAATGCCATTCTTGGCACCCCCAGCCCTCCACCTGC[G>A]CACCTGCCGGTCTATGTGTTCCTCAATGTAGCTGGTGCTCTCCCGGATGTTGAACCCCTC-3'